The following is an entry in ClinVar:

NM_004064.5(CDKN1B):c.262T>G (p.Tyr88Asp)

Gene: CDKN1B (cyclin dependent kinase inhibitor 1B; plus strand). Cytogenetic location: 12p13.1.
Variant type: single nucleotide variant.
Coding change: c.262T>G on transcript NM_004064.5 (MANE Select); coding-DNA position 262, T replaced by G.
Protein change: p.Tyr88Asp; replaces tyrosine 88 with aspartic acid.
Molecular consequence: missense variant.
Genome position (GRCh38, 1-based): chr12:12,718,101, T>G. VCF-style: chr12-12718101-T-G. GRCh37 (hg19) VCF-style: chr12-12871035-T-G.
Other names: short protein forms Y88D.
Identifiers: ClinVar variation 4224749 (VCV004224749.1).
Genomic context (GRCh38, chr12:12,718,101, plus strand): 5'-AAACCCCTAGAGGGCAAGTACGAGTGGCAAGAGGTGGAGAAGGGCAGCTTGCCCGAGTTC[T>G]ACTACAGACCCCCGCGGCCCCCCAAAGGTGCCTGCAAGGTGCCGGCGCAGGAGAGCCAGG-3'
Protein context (NP_004055.1, residues 78-98): EVEKGSLPEF[Tyr88Asp]YRPPRPPKGA

ClinVar aggregate classification (germline): Uncertain significance (1 of 4 stars; one submission).

Conditions:
Hereditary cancer-predisposing syndrome. Also called: Hereditary Cancer Syndrome; Hereditary neoplastic syndrome; Neoplastic Syndromes, Hereditary; Tumor predisposition. Identifiers: Orphanet 140162, MedGen C0027672, MeSH D009386, MONDO:0015356.

Submission:

Ambry Genetics
Classification: Uncertain significance for Hereditary cancer-predisposing syndrome. Last evaluated: 2025-07-18. Review status: criteria provided, single submitter. Criteria: Ambry Variant Classification Scheme 2023. Collection method: clinical testing. Allele origin: germline.
Comment: The p.Y88D variant (also known as c.262T>G), located in coding exon 1 of the CDKN1B gene, results from a T to G substitution at nucleotide position 262. The tyrosine at codon 88 is replaced by aspartic acid, an amino acid with highly dissimilar properties. This amino acid position is conserved. In addition, this alteration is predicted to be deleterious by in silico analysis. Based on the available evidence, the clinical significance of this variant remains unclear.